The following is an entry in ClinVar:

ClinVar aggregate classification (germline): Uncertain significance (1 of 4 stars; one submission).

Submission:

Labcorp Genetics (formerly Invitae), Labcorp
Classification: Uncertain significance. Last evaluated: 2024-04-14. Review status: criteria provided, single submitter. Criteria: Invitae Variant Classification Sherloc (09022015). Collection method: clinical testing. Allele origin: germline.
Comment: This sequence change replaces aspartic acid, which is acidic and polar, with valine, which is neutral and non-polar, at codon 1560 of the POLE protein (p.Asp1560Val). This variant is not present in population databases (gnomAD no frequency). This variant has not been reported in the literature in individuals affected with POLE-related conditions. Advanced modeling of protein sequence and biophysical properties (such as structural, functional, and spatial information, amino acid conservation, physicochemical variation, residue mobility, and thermodynamic stability) performed at Invitae indicates that this missense variant is not expected to disrupt POLE protein function with a negative predictive value of 80%. In summary, the available evidence is currently insufficient to determine the role of this variant in disease. Therefore, it has been classified as a Variant of Uncertain Significance.

NM_006231.4(POLE):c.4679A>T (p.Asp1560Val)

Gene: POLE (DNA polymerase epsilon, catalytic subunit; minus strand). Cytogenetic location: 12q24.33.
Variant type: single nucleotide variant.
Coding change: c.4679A>T on transcript NM_006231.4 (MANE Select); coding-DNA position 4679, A replaced by T.
Protein change: p.Asp1560Val; replaces aspartic acid 1560 with valine.
Molecular consequence: missense variant.
Genome position (GRCh38, 1-based): chr12:132,642,869, T>A on the plus strand (A>T on the coding strand, the complement: POLE is on the minus strand). VCF-style: chr12-132642869-T-A. GRCh37 (hg19) VCF-style: chr12-133219455-T-A.
Other names: short protein forms D1560V.
Identifiers: ClinVar variation 3715110 (VCV003715110.2).
Genomic context (GRCh38, chr12:132,642,869, plus strand): 5'-ACCACTCTCACCTTGTAGGCGAGCAGGAATCGCTGGATGGCTCTGCAGATGGTCTTCAGG[T>A]CAGTTTCTGCCCGAACTTCGAAGGTGTGTTTGGGGGGTGGCAGGAGCTCAGGGCCCACCT-3'
Protein context (NP_006222.2, residues 1550-1570): KHTFEVRAET[Asp1560Val]LKTICRAIQR